The following is an entry in ClinVar:

ClinVar aggregate classification (germline): Uncertain significance (1 of 4 stars; one submission).

Submission:

Labcorp Genetics (formerly Invitae), Labcorp
Classification: Uncertain significance. Last evaluated: 2019-11-02. Review status: criteria provided, single submitter. Criteria: Invitae Variant Classification Sherloc (09022015). Collection method: clinical testing. Allele origin: unknown.
Comment: In summary, the available evidence is currently insufficient to determine the role of this variant in disease. Therefore, it has been classified as a Variant of Uncertain Significance. Experimental studies and prediction algorithms are not available or were not evaluated, and the functional significance of this variant is currently unknown. This variant has not been reported in the literature in individuals with COL4A5-related conditions. This sequence change falls in intron 2 of the COL4A5 gene. It does not directly change the encoded amino acid sequence of the COL4A5 protein.

NC_000023.10:g.(?_107793756)_(107802284_?)del

Gene: COL4A5 (collagen type IV alpha 5 chain; plus strand). Cytogenetic location: Xq22.3.
Variant type: Deletion.
Identifiers: ClinVar variation 3246288 (VCV003246288.1).